The following is an entry in ClinVar:

ClinVar aggregate classification (germline): Pathogenic. Review status: reviewed by expert panel (3 of 4 stars). 4 submissions from 4 submitters: Pathogenic (1). 3 of the submissions do not count toward it. Last evaluated 2022-07-30.

Conditions:
Phenylketonuria (PKU). Also called: Phenylketonuria (PKU); FOLLING DISEASE; OLIGOPHRENIA PHENYLPYRUVICA; Phenylketonurias. Identifiers: Orphanet 716, MedGen C0031485, MONDO:0009861, OMIM 261600. Disease mechanism: loss of function.

Submissions (4):

ClinGen PAH Variant Curation Expert Panel
Classification: Pathogenic for Phenylketonuria. Last evaluated: 2022-07-30. Review status: reviewed by expert panel. Criteria: ClinGen PAH ACMG Specifications v1. Collection method: curation. Allele origin: germline. Inheritance: Autosomal recessive inheritance.
Comment: The frameshift variant c.1099del (HGVS nomenclature c.1095del) occurs in exon 11 of 13 and is predicted to result in NMD. The variant is found at an extremely low allele frequency of 0.000003980 overall in gnomAD with a MAF of 0.000008804 (1/113590) in the European population. One classical PKU patient has been reported (PMID: 29176022) with this variant in trans with Arg241Cys (ClinVar 102803, Pathogenic with expert panel review). In summary, this variant meets criteria to be classified as Pathogenic for PAH. PAH-specific ACMG/AMP criteria applied: PVS1, PM2, PM3_supporting, PP4_moderate.

Labcorp Genetics (formerly Invitae), Labcorp
Classification: Pathogenic for Phenylketonuria. Last evaluated: 2021-03-10. Review status: criteria provided, single submitter. Criteria: Invitae Variant Classification Sherloc (09022015). Collection method: clinical testing. Allele origin: germline. Not counted in ClinVar's aggregate classification.
Comment: This sequence change creates a premature translational stop signal (p.Leu367Trpfs*33) in the PAH gene. It is expected to result in an absent or disrupted protein product. Loss-of-function variants in PAH are known to be pathogenic (PMID: 1301187, 9634518). The frequency data for this variant in the population databases is considered unreliable, as metrics indicate poor data quality at this position in the ExAC database. This variant has been observed in individual(s) with hyperphenylalaninemia (PMID: 29176022, 29499199). ClinVar contains an entry for this variant (Variation ID: 102524). For these reasons, this variant has been classified as Pathogenic.

Women's Health and Genetics/Laboratory Corporation of America, LabCorp
Classification: Likely pathogenic for Phenylketonuria. Last evaluated: 2018-08-27. Review status: criteria provided, single submitter. Criteria: LabCorp Variant Classification Summary - May 2015. Collection method: clinical testing. Allele origin: germline. Not counted in ClinVar's aggregate classification.
Comment: Variant summary: PAH c.1099delC (p.Leu367TrpfsX33) results in a premature termination codon, predicted to cause a truncation of the encoded protein or absence of the protein due to nonsense mediated decay, which are commonly known mechanisms for disease. The variant allele was found at a frequency of 4.1e-06 in 245994 control chromosomes. c.1099delC has been reported in the literature in individuals affected with Phenylalanine Hydroxylase Deficiency (Phenylketonuria). These data indicate that the variant may be associated with disease. To our knowledge, no experimental evidence demonstrating an impact on protein function has been reported. No clinical diagnostic laboratories have submitted clinical-significance assessments for this variant to ClinVar after 2014. Based on the evidence outlined above, the variant was classified as likely pathogenic.

DeBelle Laboratory for Biochemical Genetics, MUHC/MCH RESEARCH INSTITUTE
No classification provided. Review status: no classification provided. Collection method: not provided. Allele origin: not provided. Not counted in ClinVar's aggregate classification.

Literature cited by the submitters: PubMed 1301187 (cited by Labcorp Genetics (formerly Invitae), Labcorp); PubMed 9634518 (cited by Labcorp Genetics (formerly Invitae), Labcorp); PubMed 29176022 (cited by Labcorp Genetics (formerly Invitae), Labcorp); PubMed 29499199 (cited by Labcorp Genetics (formerly Invitae), Labcorp); PubMed 24939588 (cited by Women's Health and Genetics/Laboratory Corporation of America, LabCorp); PubMed 21154324 (cited by Women's Health and Genetics/Laboratory Corporation of America, LabCorp).

NM_000277.3(PAH):c.1099del (p.Leu367fs)

Gene: PAH (phenylalanine hydroxylase; minus strand). Cytogenetic location: 12q23.2.
Variant type: Deletion.
Coding change: c.1099del on transcript NM_000277.3 (MANE Select); coding-DNA position 1099, one base deleted (C; older notation c.1099delC).
Protein change: p.Leu367fs; shifts the reading frame from leucine 367.
Molecular consequence: frameshift variant.
Genome position (GRCh38, 1-based): chr12:102,843,746, G deleted on the plus strand (C on the coding strand, the reverse complement: PAH is on the minus strand); the first of 5 consecutive G bases (chr12:102,843,746-102,843,750); deleting any one gives the same sequence. VCF-style (leftmost placement, unchanged base first): chr12-102843745-AG-A. GRCh37 (hg19) VCF-style: chr12-103237523-AG-A.
Other names: NM_000277.3(PAH):c.1099del; p.Leu367fs; c.1099del, p.Leu367fs (NM_001354304.2); c.1099del (NM_000277.1); short protein forms L367fs.
Identifiers: ClinVar variation 102524 (VCV000102524.12), dbSNP rs62506951, ClinGen allele CA229343.